The following is an entry in ClinVar:

ClinVar aggregate classification (germline): Likely benign (1 of 4 stars; one submission).

Submission:

CeGaT Center for Human Genetics Tuebingen
Classification: Likely benign. Last evaluated: 2026-07-01. Review status: criteria provided, single submitter. Criteria: CeGaT Center For Human Genetics Tuebingen Variant Classification Criteria Version 2. Collection method: clinical testing. Allele origin: germline. Affected: yes. Observed: 1 variant allele.
Comment: GRIA4: PP3, BS2

NM_000829.4(GRIA4):c.716T>C (p.Ile239Thr)

Gene: GRIA4 (glutamate ionotropic receptor AMPA type subunit 4; plus strand). Cytogenetic location: 11q22.3.
Variant type: single nucleotide variant.
Coding change: c.716T>C on transcript NM_000829.4 (MANE Select); coding-DNA position 716, T replaced by C.
Protein change: p.Ile239Thr; replaces isoleucine 239 with threonine.
Molecular consequence: missense variant. On other transcripts: non-coding transcript variant (1).
Genome position (GRCh38, 1-based): chr11:105,887,562, T>C. VCF-style: chr11-105887562-T-C. GRCh37 (hg19) VCF-style: chr11-105758288-T-C.
Other names: c.716T>C, p.Ile239Thr (NM_001440388.1, NM_001440389.1, NM_001440390.1 and 20 more transcripts); short protein forms I239T.
Identifiers: ClinVar variation 5039697 (VCV005039697.1).